The following is an entry in ClinVar:

NM_020779.4(WDR35):c.3385T>C (p.Cys1129Arg)

Gene: WDR35 (WD repeat domain 35; minus strand). Cytogenetic location: 2p24.1.
Variant type: single nucleotide variant.
Coding change: c.3385T>C on transcript NM_020779.4 (MANE Select); coding-DNA position 3385, T replaced by C.
Protein change: p.Cys1129Arg; replaces cysteine 1129 with arginine.
Molecular consequence: missense variant.
Genome position (GRCh38, 1-based): chr2:19,913,686, A>G on the plus strand (T>C on the coding strand, the complement: WDR35 is on the minus strand). VCF-style: chr2-19913686-A-G. GRCh37 (hg19) VCF-style: chr2-20113447-A-G.
Other names: c.3418T>C, p.Cys1140Arg (NM_001006657.2); short protein forms C1140R, C1129R.
Identifiers: ClinVar variation 1427509 (VCV001427509.6), dbSNP rs1558317812, ClinGen allele CA346230787.

ClinVar aggregate classification (germline): Uncertain significance (1 of 4 stars; one submission).

Conditions:
Cranioectodermal dysplasia 2 (CED2). Identifiers: Orphanet 1515, MedGen C3150874, MONDO:0013323, OMIM 613610.
Short-rib thoracic dysplasia 7 with or without polydactyly (SRTD7). Also called: Short rib polydactyly syndrome 5; SHORT-RIB THORACIC DYSPLASIA 7 WITH POLYDACTYLY. Identifiers: Orphanet 498497, Orphanet 93271, MedGen C3279792, MONDO:0013569, OMIM 614091.

Allele frequency attached by ClinVar (database versions not stated): gnomAD exomes below 0.00001.

Submission:

Labcorp Genetics (formerly Invitae), Labcorp
Classification: Uncertain significance for Cranioectodermal dysplasia 2; Short-rib thoracic dysplasia 7 with or without polydactyly. Last evaluated: 2021-07-24. Review status: criteria provided, single submitter. Criteria: Invitae Variant Classification Sherloc (09022015). Collection method: clinical testing. Allele origin: germline.
Comment: This missense change has been observed in individual(s) with cranioectodermal dysplasia (Invitae). This variant is not present in population databases (ExAC no frequency). This sequence change replaces cysteine with arginine at codon 1140 of the WDR35 protein (p.Cys1140Arg). The cysteine residue is highly conserved and there is a large physicochemical difference between cysteine and arginine. Algorithms developed to predict the effect of missense changes on protein structure and function are either unavailable or do not agree on the potential impact of this missense change (SIFT: "Deleterious"; PolyPhen-2: "Probably Damaging"; Align-GVGD: "Class C0"). In summary, the available evidence is currently insufficient to determine the role of this variant in disease. Therefore, it has been classified as a Variant of Uncertain Significance.